The following is an entry in ClinVar:

NM_005554.4(KRT6A):c.579A>C (p.Thr193=)

Gene: KRT6A (keratin 6A; minus strand). Cytogenetic location: 12q13.13.
Variant type: single nucleotide variant.
Coding change: c.579A>C on transcript NM_005554.4 (MANE Select); coding-DNA position 579, A replaced by C.
Protein change: p.Thr193=; no amino-acid change (threonine 193 retained).
Molecular consequence: synonymous variant.
Genome position (GRCh38, 1-based): chr12:52,491,698, T>G on the plus strand (A>C on the coding strand, the complement: KRT6A is on the minus strand). VCF-style: chr12-52491698-T-G. GRCh37 (hg19) VCF-style: chr12-52885482-T-G.
Identifiers: ClinVar variation 4872695 (VCV004872695.2).
Genomic context (GRCh38, chr12:52,491,698, plus strand): 5'-CAACGGCTCCAGGTTCTGCCTCACAGTCTTGGTGCCCTGCTCCTGCAGCAGGGTCCACTT[T>G]GTTTCCAGAACCTTGTTCTGCTGCTCCAGGAACCGCACCTGAAAGAGAGACAAGATGATC-3'
Protein context (NP_005545.1, residues 183-203): FLEQQNKVLE[Thr193=]KWTLLQEQGT

ClinVar aggregate classification (germline): Likely benign (1 of 4 stars; one submission).

gnomAD v4.1: 252 of 1,614,020 alleles (0.016%); highest among the groups gnomAD compares: Non-Finnish European, 0.02%; no homozygotes.

Submission:

CeGaT Center for Human Genetics Tuebingen
Classification: Likely benign. Last evaluated: 2026-05-01. Review status: criteria provided, single submitter. Criteria: CeGaT Center For Human Genetics Tuebingen Variant Classification Criteria Version 2. Collection method: clinical testing. Allele origin: germline. Affected: yes. Observed: 1 variant allele.
Comment: KRT6A: BP4, BP7